The following is an entry in ClinVar:

NM_005677.4(COLQ):c.*1001G>A

Gene: COLQ (collagen like tail subunit of asymmetric acetylcholinesterase; minus strand). Cytogenetic location: 3p25.1.
Variant type: single nucleotide variant.
Coding change: c.*1001G>A on transcript NM_005677.4 (MANE Select); 1001 bases downstream of the stop codon, G replaced by A.
Molecular consequence: 3 prime UTR variant.
Genome position (GRCh38, 1-based): chr3:15,450,643, C>T on the plus strand (G>A on the coding strand, the complement: COLQ is on the minus strand). VCF-style: chr3-15450643-C-T. GRCh37 (hg19) VCF-style: chr3-15492150-C-T.
Other names: c.*1001G>A (NM_080538.2, NM_080539.4).
Identifiers: ClinVar variation 343828 (VCV000343828.6), dbSNP rs3846128, ClinGen allele CA10617521.
Genomic context (GRCh38, chr3:15,450,643, plus strand): 5'-GGAGGAGCTCAGGCACACAGGAGGACAAGGCTATGCAATATGCAGACATGAAAGAAATGC[C>T]ACGGGACGCTGTCAGGGGTCAGCAGGAGGCAAAGAGGTAGAGCTCTGGCCAGGAACGCTC-3'

ClinVar aggregate classification (germline): Benign. Review status: criteria provided, multiple submitters, no conflicts (2 of 4 stars). 2 submissions from 2 submitters: Benign (2). Last evaluated 2018-01-12.

Conditions:
Congenital myasthenic syndrome 5. Identifiers: Orphanet 590, MedGen C1864233, MONDO:0011281, OMIM 603034.

Allele frequency attached by ClinVar (database versions not stated): gnomAD exomes 0.35123; gnomAD 0.37381 and 0.37486; TOPMed 0.37874; 1000 Genomes Project 30x 0.38804; 1000 Genomes Project 0.38858.
gnomAD v4.1: 57,591 of 153,132 alleles (38%); highest among the groups gnomAD compares: East Asian, 49%; 10,886 homozygotes.

Submissions (2):

Illumina Laboratory Services, Illumina
Classification: Benign for Congenital myasthenic syndrome 5. Last evaluated: 2018-01-12. Review status: criteria provided, single submitter. Criteria: ICSL Variant Classification Criteria 13 December 2019. Collection method: clinical testing. Allele origin: germline.
Comment: This variant was observed in the ICSL laboratory as part of a predisposition screen in an ostensibly healthy population. It had not been previously curated by ICSL or reported in the Human Gene Mutation Database (HGMD: prior to June 1st, 2018), and was therefore a candidate for classification through an automated scoring system. Utilizing variant allele frequency, disease prevalence and penetrance estimates, and inheritance mode, an automated score was calculated to assess if this variant is too frequent to cause the disease. Based on the score and internal cut-off values, a variant classified as benign is not then subjected to further curation. The score for this variant resulted in a classification of benign for this disease.

Breakthrough Genomics
Classification: Benign. Review status: criteria provided, single submitter. Criteria: ACMG Guidelines, 2015. Collection method: not provided. Allele origin: germline. Inheritance: Autosomal recessive inheritance. Affected: yes.